The following is an entry in ClinVar:

ClinVar aggregate classification (germline): Uncertain significance. Review status: criteria provided, multiple submitters, no conflicts (2 of 4 stars). 2 submissions from 2 submitters: Uncertain significance (2). Last evaluated 2025-04-09.

Conditions:
Breast-ovarian cancer, familial, susceptibility to, 5 (BROVCA5). Identifiers: MedGen C5830615, MONDO:0957530, OMIM 620442.
Hereditary cancer-predisposing syndrome. Also called: Hereditary Cancer Syndrome; Hereditary neoplastic syndrome; Neoplastic Syndromes, Hereditary; Tumor predisposition. Identifiers: Orphanet 140162, MedGen C0027672, MeSH D009386, MONDO:0015356.

Submissions (2):

Dasa
Classification: Uncertain significance for Breast-ovarian cancer, familial, susceptibility to, 5. Last evaluated: 2025-04-09. Review status: criteria provided, single submitter. Criteria: DASA Assertion Criteria. Collection method: clinical testing. Allele origin: germline.
Comment: NM_024675.4(PALB2):c.1685-5T>A is a splice-region variant. This variant is absent from population databases. Computational prediction algorithms are consistent with a benign effect. The currently available literature and clinical evidence are not sufficient to establish a definitive association between this variant and the reported condition. Therefore, this variant is classified as a variant of uncertain significance.

Ambry Genetics
Classification: Uncertain significance for Hereditary cancer-predisposing syndrome. Last evaluated: 2024-07-16. Review status: criteria provided, single submitter. Criteria: Ambry Variant Classification Scheme 2023. Collection method: clinical testing. Allele origin: germline.
Comment: The c.1685-5T>A intronic variant results from a T to A substitution 5 nucleotides upstream from coding exon 5 in the PALB2 gene. This nucleotide position is well conserved in available vertebrate species. In silico splice site analysis predicts that this alteration will not have any significant effect on splicing. Based on the available evidence, the clinical significance of this variant remains unclear.

NM_024675.4(PALB2):c.1685-5T>A

Gene: PALB2 (partner and localizer of BRCA2; minus strand). Cytogenetic location: 16p12.2.
Variant type: single nucleotide variant.
Coding change: c.1685-5T>A on transcript NM_024675.4 (MANE Select); 5 bases into the intron before coding-DNA position 1685, T replaced by A.
Molecular consequence: intron variant.
Genome position (GRCh38, 1-based): chr16:23,630,474, A>T on the plus strand (T>A on the coding strand, the complement: PALB2 is on the minus strand). VCF-style: chr16-23630474-A-T. GRCh37 (hg19) VCF-style: chr16-23641795-A-T.
Other names: c.800-5T>A (NM_001407308.1, NM_001407306.1, NM_001407307.1 and 5 more transcripts); c.49-1199T>A (NM_001407314.1); c.-104-5T>A (NM_001407313.1, NM_001407312.1); c.1625-5T>A (NM_001407296.1); c.1685-5T>A (NM_001407297.1, NM_001407302.1, NM_001407298.1 and 3 more transcripts).
Identifiers: ClinVar variation 3413433 (VCV003413433.3).